The following is an entry in ClinVar:

NM_001903.5(CTNNA1):c.951C>T (p.Ala317=)

Gene: CTNNA1 (catenin alpha 1; plus strand). Cytogenetic location: 5q31.2.
Variant type: single nucleotide variant.
Coding change: c.951C>T on transcript NM_001903.5 (MANE Select); coding-DNA position 951, C replaced by T.
Protein change: p.Ala317=; no amino-acid change (alanine 317 retained).
Molecular consequence: synonymous variant.
Genome position (GRCh38, 1-based): chr5:138,827,607, C>T. VCF-style: chr5-138827607-C-T. GRCh37 (hg19) VCF-style: chr5-138163296-C-T.
Other names: c.951C>T, p.Ala317= (NM_001290307.3, NM_001323982.2, NM_001323983.1 and 3 more transcripts); c.642C>T, p.Ala214= (NM_001290309.3); c.582C>T, p.Ala194= (NM_001290310.3).
Identifiers: ClinVar variation 1161008 (VCV001161008.12), dbSNP rs2149785733, ClinGen allele CA446595444.
Genomic context (GRCh38, chr5:138,827,607, plus strand): 5'-CGAGGAGCGCTTTAGGCCTTCCCTGGAGGAGCGTCTGGAAAGCATCATTAGTGGGGCTGC[C>T]TTGATGGCCGACTCGTCCTGCACGCGTGATGACCGTCGTGAGCGAATTGTGGCAGAGTGT-3'
Protein context (NP_001894.2, residues 307-327): ERLESIISGA[Ala317=]LMADSSCTRD

ClinVar aggregate classification (germline): Benign/Likely benign. Review status: criteria provided, multiple submitters, no conflicts (2 of 4 stars). 3 submissions from 3 submitters: Benign (1); Likely benign (2). Last evaluated 2024-10-10.

Conditions:
Hereditary diffuse gastric adenocarcinoma (HDGC). Also called: DIFFUSE GASTRIC AND LOBULAR BREAST CANCER SYNDROME. Identifiers: Orphanet 26106, MedGen C1708349, MONDO:0007648, OMIM 137215.
Hereditary cancer-predisposing syndrome. Also called: Neoplastic Syndromes, Hereditary; Hereditary Cancer Syndrome; Hereditary neoplastic syndrome; Tumor predisposition. Identifiers: Orphanet 140162, MedGen C0027672, MeSH D009386, MONDO:0015356.

Submissions (3):

Myriad Genetics, Inc.
Classification: Benign for Hereditary diffuse gastric adenocarcinoma. Last evaluated: 2024-10-10. Review status: criteria provided, single submitter. Criteria: Myriad Autosomal Dominant, Autosomal Recessive and X-Linked Classification Criteria (2023). Collection method: clinical testing. Allele origin: unknown.
Comment: This variant is considered benign. This variant is a silent/synonymous amino acid change and it is not expected to impact splicing.

Labcorp Genetics (formerly Invitae), Labcorp
Classification: Likely benign. Last evaluated: 2024-05-14. Review status: criteria provided, single submitter. Criteria: Invitae Variant Classification Sherloc (09022015). Collection method: clinical testing. Allele origin: germline.

Ambry Genetics
Classification: Likely benign for Hereditary cancer-predisposing syndrome. Last evaluated: 2022-08-30. Review status: criteria provided, single submitter. Criteria: Ambry Variant Classification Scheme 2023. Collection method: clinical testing. Allele origin: germline.